The following is an entry in ClinVar:

NM_031935.3(HMCN1):c.3030G>A (p.Pro1010=)

Gene: HMCN1 (hemicentin 1; plus strand). Cytogenetic location: 1q31.1.
Variant type: single nucleotide variant.
Coding change: c.3030G>A on transcript NM_031935.3 (MANE Select); coding-DNA position 3030, G replaced by A.
Protein change: p.Pro1010=; no amino-acid change (proline 1010 retained).
Molecular consequence: synonymous variant.
Genome position (GRCh38, 1-based): chr1:185,987,526, G>A. VCF-style: chr1-185987526-G-A. GRCh37 (hg19) VCF-style: chr1-185956658-G-A.
Other names: c.3030G>A (NM_031935.2).
Identifiers: ClinVar variation 1550973 (VCV001550973.9), dbSNP rs377478076, ClinGen allele CA1291589.

ClinVar aggregate classification (germline): Likely benign. Review status: criteria provided, multiple submitters, no conflicts (2 of 4 stars). 2 submissions from 2 submitters: Likely benign (2). Last evaluated 2026-05-28.

Conditions:
HMCN1-related disorder. Also called: HMCN1-related condition.

Allele frequency attached by ClinVar (database versions not stated): gnomAD exomes 0.00004 and 0.00008; ESP Exome Variant Server 0.00008; ExAC 0.00009; gnomAD 0.00015 and 0.00016; TOPMed 0.00030.
gnomAD v4.1: 89 of 1,609,640 alleles (0.0055%); highest among the groups gnomAD compares: Admixed American, 0.035%; 1 homozygote.

Submissions (2):

PreventionGenetics, part of Exact Sciences
Classification: Likely benign for HMCN1-related condition. Last evaluated: 2026-05-28. Review status: criteria provided, single submitter. Criteria: ACMG Guidelines, 2015. Collection method: clinical testing. Allele origin: germline.
Comment: This variant is classified as likely benign based on ACMG/AMP sequence variant interpretation guidelines (Richards et al. 2015 PMID: 25741868, with internal and published modifications).

Labcorp Genetics (formerly Invitae), Labcorp
Classification: Likely benign. Last evaluated: 2025-12-15. Review status: criteria provided, single submitter. Criteria: Invitae Variant Classification Sherloc (09022015). Collection method: clinical testing. Allele origin: germline.